The following is an entry in ClinVar:

NM_198576.4(AGRN):c.1144C>A (p.Gln382Lys)

Gene: AGRN (agrin; plus strand). Cytogenetic location: 1p36.33.
Variant type: single nucleotide variant.
Coding change: c.1144C>A on transcript NM_198576.4 (MANE Select); coding-DNA position 1144, C replaced by A.
Protein change: p.Gln382Lys; replaces glutamine 382 with lysine.
Molecular consequence: missense variant.
Genome position (GRCh38, 1-based): chr1:1,041,669, C>A. VCF-style: chr1-1041669-C-A. GRCh37 (hg19) VCF-style: chr1-977049-C-A.
Other names: c.1144C>A, p.Gln382Lys (NM_001305275.2); c.829C>A, p.Gln277Lys (NM_001364727.2); short protein forms Q382K, Q277K.
Identifiers: ClinVar variation 570634 (VCV000570634.8), dbSNP rs1557701584, ClinGen allele CA337827335.

ClinVar aggregate classification (germline): Uncertain significance (1 of 4 stars; one submission).

Conditions:
Congenital myasthenic syndrome 8. Also called: MYASTHENIC SYNDROME, CONGENITAL, DUE TO AGRIN DEFICIENCY; Myasthenic syndrome, congenital, 8, with pre- and postsynaptic defects. Identifiers: Orphanet 590, MedGen C3808739, MONDO:0014052, OMIM 615120.

Submission:

Labcorp Genetics (formerly Invitae), Labcorp
Classification: Uncertain significance for Congenital myasthenic syndrome 8. Last evaluated: 2022-07-05. Review status: criteria provided, single submitter. Criteria: Invitae Variant Classification Sherloc (09022015). Collection method: clinical testing. Allele origin: germline.
Comment: ClinVar contains an entry for this variant (Variation ID: 570634). Algorithms developed to predict the effect of missense changes on protein structure and function (SIFT, PolyPhen-2, Align-GVGD) all suggest that this variant is likely to be tolerated. In summary, the available evidence is currently insufficient to determine the role of this variant in disease. Therefore, it has been classified as a Variant of Uncertain Significance. This variant has not been reported in the literature in individuals affected with AGRN-related conditions. This sequence change replaces glutamine, which is neutral and polar, with lysine, which is basic and polar, at codon 382 of the AGRN protein (p.Gln382Lys). This variant is not present in population databases (gnomAD no frequency).